The following is an entry in ClinVar:

ClinVar aggregate classification (germline): Likely pathogenic. Review status: criteria provided, multiple submitters, no conflicts (2 of 4 stars). 4 submissions from 4 submitters: Likely pathogenic (4). Last evaluated 2025-06-26.

Conditions:
PKD2-related disorder. Also called: PKD2-related condition.
Polycystic kidney disease 2 (PKD2). Also called: Polycystic Kidney Disease 2, Autosomal Dominant; POLYCYSTIC KIDNEY DISEASE 2 WITH OR WITHOUT POLYCYSTIC LIVER DISEASE; POLYCYSTIC KIDNEY DISEASE, ADULT, TYPE II. Identifiers: MedGen C2751306, MONDO:0013131, OMIM 613095.

Submissions (4):

PreventionGenetics, part of Exact Sciences
Classification: Likely pathogenic for PKD2-related condition. Last evaluated: 2025-06-26. Review status: criteria provided, single submitter. Criteria: ACMG Guidelines, 2015. Collection method: clinical testing. Allele origin: germline.
Comment: The PKD2 c.2600T>C variant is predicted to result in the amino acid substitution p.Leu867Pro. This variant has been reported as a recurrent variant in patients with polycystic kidney disease, and has been reported to segregate with disease (reported with a benign PKD2 variant c.2420G>A, p.Arg807Gln in Robinson et al. 2012. PubMed ID: 22863349; in total eight families having this variant in Nielsen et al. 2021. PubMed ID: 33639313). Of note, this variant was reported to occur in the compound heterozygous state with a second rare PKD2 variant c.761C>T (p.Ser254Leu) in at least one of the reported individuals, and the authors of the publication interpreted it as a variant of uncertain significance (VUS) (Supplemental Table, Nielsen et al. 2021. PubMed ID: 33639313). At PreventionGenetics, this variant has been reported in two siblings and another presumably unrelated individual with polycystic kidney disease (Internal Data). The REVEL (rare exome variant ensemble learner) program predicts this variant is pathogenic at a "moderate" level (Ioannidis et al. 2016. PubMed ID: 27666373; Bergquist et al. 2024. PubMed ID: 39345488). This variant has not been reported in a large population database (gnomAD), indicating it is rare. This variant is interpreted as likely pathogenic.

Department of Pathology and Laboratory Medicine, Sinai Health System
Classification: Likely pathogenic for Polycystic kidney disease 2. Last evaluated: 2024-12-03. Review status: criteria provided, single submitter. Criteria: ACMG Guidelines, 2015. Collection method: clinical testing. Allele origin: germline.

Fulgent Genetics
Classification: Likely pathogenic for Polycystic kidney disease 2. Last evaluated: 2024-01-25. Review status: criteria provided, single submitter. Criteria: ACMG Guidelines, 2015. Collection method: clinical testing. Allele origin: germline.

Blueprint Genetics
Classification: Likely pathogenic for PKD2-related disorders. Last evaluated: 2021-09-14. Review status: criteria provided, single submitter. Criteria: ACMG Guidelines, 2015. Collection method: clinical testing. Allele origin: germline. Affected: yes. Observed: 3 variant alleles.

Literature cited by the submitters: PubMed 33639313 (cited by Department of Pathology and Laboratory Medicine, Sinai Health System); PubMed 22863349 (cited by Department of Pathology and Laboratory Medicine, Sinai Health System).

NM_000297.4(PKD2):c.2600T>C (p.Leu867Pro)

Gene: PKD2 (polycystin 2, transient receptor potential cation channel; plus strand). Cytogenetic location: 4q22.1.
Variant type: single nucleotide variant.
Coding change: c.2600T>C on transcript NM_000297.4 (MANE Select); coding-DNA position 2600, T replaced by C.
Protein change: p.Leu867Pro; replaces leucine 867 with proline.
Molecular consequence: missense variant. On other transcripts: non-coding transcript variant (1).
Genome position (GRCh38, 1-based): chr4:88,074,889, T>C. VCF-style: chr4-88074889-T-C. GRCh37 (hg19) VCF-style: chr4-88996041-T-C.
Other names: short protein forms L867P.
Identifiers: ClinVar variation 636982 (VCV000636982.6), dbSNP rs1578153598, ClinGen allele CA357627986.